The following is an entry in ClinVar:

NM_032043.3(BRIP1):c.2477A>G (p.Asn826Ser)

Gene: BRIP1 (BRCA1 interacting DNA helicase 1; minus strand). Cytogenetic location: 17q23.2.
Variant type: single nucleotide variant.
Coding change: c.2477A>G on transcript NM_032043.3 (MANE Select); coding-DNA position 2477, A replaced by G.
Protein change: p.Asn826Ser; replaces asparagine 826 with serine.
Molecular consequence: missense variant.
Genome position (GRCh38, 1-based): chr17:61,715,966, T>C on the plus strand (A>G on the coding strand, the complement: BRIP1 is on the minus strand). VCF-style: chr17-61715966-T-C. GRCh37 (hg19) VCF-style: chr17-59793327-T-C.
Other names: NP_114432.2:p.Asn826Ser; short protein forms N826S.
Identifiers: ClinVar variation 461111 (VCV000461111.29), dbSNP rs760127237, ClinGen allele CA8690523.

ClinVar aggregate classification (germline): Uncertain significance. Review status: criteria provided, multiple submitters, no conflicts (2 of 4 stars). 8 submissions from 8 submitters: Uncertain significance (8). Last evaluated 2025-08-14.

Conditions:
Hereditary cancer-predisposing syndrome. Also called: Hereditary neoplastic syndrome; Neoplastic Syndromes, Hereditary; Tumor predisposition; Hereditary Cancer Syndrome. Identifiers: Orphanet 140162, MedGen C0027672, MeSH D009386, MONDO:0015356.
Fanconi anemia complementation group J. Also called: BRIP1-Related Fanconi Anemia. Identifiers: Orphanet 84, MedGen C1836860, MONDO:0012187, OMIM 609054.
Familial cancer of breast. Also called: BREAST CANCER, FAMILIAL; hereditary breast carcinoma; Hereditary breast cancer. Identifiers: Orphanet 227535, MedGen C0346153, MONDO:0016419, OMIM 114480. Disease mechanism: loss of function.
Hereditary breast ovarian cancer syndrome. Also called: Hereditary breast and/or ovarian cancer syndrome; BRCA1- and BRCA2-Associated Hereditary Breast and Ovarian Cancer; Hereditary breast and ovarian cancer; Breast and ovarian cancer; Hereditary breast and ovarian cancer syndrome; Hereditary breast and ovarian cancer syndrome (HBOC). Identifiers: Orphanet 145, MedGen C0677776, MeSH D061325, MONDO:0003582. Disease mechanism: loss of function.

Allele frequency attached by ClinVar (database versions not stated): TOPMed below 0.00001; ExAC 0.00001; gnomAD exomes 0.00001.
gnomAD v4.1: 9 of 1,600,440 alleles (0.00056%); highest among the groups gnomAD compares: Non-Finnish European, 0.00077%; no homozygotes.

Submissions (8):

Labcorp Genetics (formerly Invitae), Labcorp
Classification: Uncertain significance for Familial cancer of breast; Fanconi anemia complementation group J. Last evaluated: 2025-08-14. Review status: criteria provided, single submitter. Criteria: Invitae Variant Classification Sherloc (09022015). Collection method: clinical testing. Allele origin: germline.
Comment: This sequence change replaces asparagine, which is neutral and polar, with serine, which is neutral and polar, at codon 826 of the BRIP1 protein (p.Asn826Ser). This variant is present in population databases (rs760127237, gnomAD 0.002%). This missense change has been observed in individual(s) with ovarian cancer (PMID: 33008098). ClinVar contains an entry for this variant (Variation ID: 461111). Invitae Evidence Modeling of protein sequence and biophysical properties (such as structural, functional, and spatial information, amino acid conservation, physicochemical variation, residue mobility, and thermodynamic stability) has been performed for this missense variant. However, the output from this modeling did not meet the statistical confidence thresholds required to predict the impact of this variant on BRIP1 protein function. In summary, the available evidence is currently insufficient to determine the role of this variant in disease. Therefore, it has been classified as a Variant of Uncertain Significance.

Ambry Genetics
Classification: Uncertain significance for Hereditary cancer-predisposing syndrome. Last evaluated: 2025-05-07. Review status: criteria provided, single submitter. Criteria: Ambry Variant Classification Scheme 2023. Collection method: clinical testing. Allele origin: germline.
Comment: The p.N826S variant (also known as c.2477A>G), located in coding exon 16 of the BRIP1 gene, results from an A to G substitution at nucleotide position 2477. The asparagine at codon 826 is replaced by serine, an amino acid with highly similar properties. This variant was identified in multiple cohorts with features consistent with a hereditary breast and/or ovarian cancer syndrome (Barbosa A et al. Cancers (Basel), 2020 Sep;12; van der Merwe NC et al. Front Oncol, 2022 Dec;12:938561; Faria JP et al. Breast Cancer Res Treat, 2024 Oct;207:615-624). This amino acid position is highly conserved in available vertebrate species. In addition, the in silico prediction for this alteration is inconclusive. Based on the available evidence, the clinical significance of this variant remains unclear.

KCCC/NGS Laboratory, Kuwait Cancer Control Center
Classification: Uncertain significance for Familial cancer of breast. Last evaluated: 2024-01-31. Review status: criteria provided, single submitter. Criteria: ACMG Guidelines, 2015. Collection method: clinical testing. Allele origin: germline. Inheritance: Autosomal dominant inheritance. Affected: yes. Observed: 1 heterozygote.
Comment: This sequence change replaces asparagine, which is neutral and polar, with serine, which is neutral and polar, at codon 826 of the BRIP1 protein (p.Asn826Ser). This variant is present in population databases (rs760127237, gnomAD 0.002%). This variant has not been reported in the literature in individuals affected with BRIP1- related conditions. ClinVar contains an entry for this variant (Variation ID: 461111).In addition, Computational prediction suggests that this variant may have deleterious impact on protein structure and function. In summary, the available evidence is currently insufficient to determine the role of this variant in disease. Therefore, it has been classified as a Variant of Uncertain Significance. Pathogenic/likely pathogenic variants in the BRIP1 gene cause susceptibility to breast cancer (OMIM 114480).

Quest Diagnostics Nichols Institute San Juan Capistrano
Classification: Uncertain significance. Last evaluated: 2023-01-24. Review status: criteria provided, single submitter. Criteria: Quest Diagnostics criteria. Collection method: clinical testing. Allele origin: unknown.
Comment: The frequency of this variant in the general population, 0.000008 (2/249882 chromosomes), is uninformative in assessment of its pathogenicity. In the published literature, the variant was identified in a cohort of individuals with ovarian cancer (PMID: 33008098 (2020)). Analysis of this variant using bioinformatics tools for the prediction of the effect of amino acid changes on protein structure and function yielded conflicting predictions that this variant is benign or damaging. Based on the available information, we are unable to determine the clinical significance of this variant.

National Health Laboratory Service, Universitas Academic Hospital and University of the Free State
Classification: Uncertain significance for Hereditary breast ovarian cancer syndrome. Last evaluated: 2022-04-19. Review status: criteria provided, single submitter. Criteria: ACMG Guidelines, 2015. Collection method: clinical testing. Allele origin: germline. Affected: yes. Observed: 1 variant allele.

Color Diagnostics, LLC DBA Color Health
Classification: Uncertain significance for Hereditary cancer-predisposing syndrome. Last evaluated: 2021-07-28. Review status: criteria provided, single submitter. Criteria: ACMG Guidelines, 2015. Collection method: clinical testing. Allele origin: germline.
Comment: This missense variant replaces asparagine with serine at codon 826 of the BRIP1 protein. Computational prediction suggests that this variant may have deleterious impact on protein structure and function (internally defined REVEL score threshold >= 0.7, PMID: 27666373). To our knowledge, functional studies have not been reported for this variant. This variant has been reported in an individual affected with ovarian cancer (PMID: 33008098). This variant has been identified in 2/249882 chromosomes in the general population by the Genome Aggregation Database (gnomAD). The available evidence is insufficient to determine the role of this variant in disease conclusively. Therefore, this variant is classified as a Variant of Uncertain Significance.

GeneDx
Classification: Uncertain significance. Last evaluated: 2020-11-17. Review status: criteria provided, single submitter. Criteria: GeneDx Variant Classification Process June 2021. Collection method: clinical testing. Allele origin: germline. Affected: yes.
Comment: Not observed at a significant frequency in large population cohorts (Lek 2016); In silico analysis supports that this missense variant has a deleterious effect on protein structure/function; Observed in individuals with ovarian cancer and in unaffected controls (Weber-Lassalle 2018, Barbosa 2020); This variant is associated with the following publications: (PMID: 33008098, 29368626)

Women's Health and Genetics/Laboratory Corporation of America, LabCorp
Classification: Uncertain significance. Last evaluated: 2016-11-10. Review status: criteria provided, single submitter. Criteria: LabCorp Variant Classification Summary - May 2015. Collection method: clinical testing. Allele origin: germline.
Comment: Variant summary: The BRIP1 c.2477A>G (p.Asn826Ser) variant located in the P-loop containing nuceloside triphosphate hydrolase domain (via InterPro) causes a missense change involving a conserved nucleotide with 3/4 in silico tools (SNPs&GO not captured here due to low reliability index) predict a damaging outcome, although these predictions have yet to be functionally assessed. The variant of interest was observed in the large, broad control population, ExAC, with an allele frequency of 1/119650, which does not exceed the estimated maximal expected allele frequency for a pathogenic BRIP1 variant of 1/16000. The variant of interest has not, to our knowledge, been reported in affected individuals via publications and/or reputable databases/clinical diagnostic laboratories. Therefore, until additional information becomes available, the variant of interest has been classified as a "Variant of Uncertain Significance (VUS)."

Literature cited by the submitters: PubMed 33008098 (cited by 3 submitters); PubMed 36568162 (cited by Ambry Genetics); PubMed 38874686 (cited by Ambry Genetics); PubMed 29368626 (cited by Quest Diagnostics Nichols Institute San Juan Capistrano).